The following is an entry in ClinVar:

NM_001046.3(SLC12A2):c.3035G>A (p.Ser1012Asn)

Gene: SLC12A2 (solute carrier family 12 member 2; plus strand). Cytogenetic location: 5q23.3.
Variant type: single nucleotide variant.
Coding change: c.3035G>A on transcript NM_001046.3 (MANE Select); coding-DNA position 3035, G replaced by A.
Protein change: p.Ser1012Asn; replaces serine 1012 with asparagine.
Molecular consequence: missense variant. On other transcripts: non-coding transcript variant (1).
Genome position (GRCh38, 1-based): chr5:128,178,624, G>A. VCF-style: chr5-128178624-G-A. GRCh37 (hg19) VCF-style: chr5-127514316-G-A.
Other names: c.2987G>A, p.Ser996Asn (NM_001256461.2); c.3035G>A (NM_001046.2); short protein forms S1012N, S996N.
Identifiers: ClinVar variation 1571689 (VCV001571689.9), dbSNP rs115472345, ClinGen allele CA3393551.

ClinVar aggregate classification (germline): Likely benign. Review status: criteria provided, multiple submitters, no conflicts (2 of 4 stars). 2 submissions from 2 submitters: Likely benign (2). Last evaluated 2026-05-24.

Conditions:
SLC12A2-related disorder. Also called: SLC12A2-related disorders; SLC12A2-related condition.

Allele frequency attached by ClinVar (database versions not stated): gnomAD 0.00009 and 0.00016; gnomAD exomes 0.00013 and 0.00034; TOPMed 0.00028; ExAC 0.00034; 1000 Genomes Project 30x 0.00094; 1000 Genomes Project 0.00100.
gnomAD v4.1: 211 of 1,601,288 alleles (0.013%); highest among the groups gnomAD compares: East Asian, 0.46%; no homozygotes.

Submissions (2):

PreventionGenetics, part of Exact Sciences
Classification: Likely benign for SLC12A2-related condition. Last evaluated: 2026-05-24. Review status: criteria provided, single submitter. Criteria: ACMG Guidelines, 2015. Collection method: clinical testing. Allele origin: germline.
Comment: This variant is classified as likely benign based on ACMG/AMP sequence variant interpretation guidelines (Richards et al. 2015 PMID: 25741868, with internal and published modifications).

Labcorp Genetics (formerly Invitae), Labcorp
Classification: Likely benign. Last evaluated: 2026-01-28. Review status: criteria provided, single submitter. Criteria: Invitae Variant Classification Sherloc (09022015). Collection method: clinical testing. Allele origin: germline.